The following is an entry in ClinVar:

NM_000059.4(BRCA2):c.7977-1G>T

Gene: BRCA2 (BRCA2 DNA repair associated; plus strand). Cytogenetic location: 13q13.1.
Variant type: single nucleotide variant.
Coding change: c.7977-1G>T on transcript NM_000059.4 (MANE Select); the canonical splice acceptor site of the intron before coding-DNA position 7977, G replaced by T.
Molecular consequence: splice acceptor variant.
Genome position (GRCh38, 1-based): chr13:32,363,178, G>T. VCF-style: chr13-32363178-G-T. GRCh37 (hg19) VCF-style: chr13-32937315-G-T.
Other names: IVS17-1G>T; c.7977-1G>T (NM_001406720.1); c.7881-1G>T (NM_001406719.1); c.3045-1G>T (NM_001406721.1); c.1560-1G>T (NM_001406722.1).
Identifiers: ClinVar variation 126163 (VCV000126163.17), dbSNP rs81002874, ClinGen allele CA025373.

ClinVar aggregate classification (germline): Pathogenic/Likely pathogenic. Review status: criteria provided, multiple submitters, no conflicts (2 of 4 stars). 4 submissions from 4 submitters: Pathogenic (1); Likely pathogenic (2). 1 of the submissions does not count toward it. Last evaluated 2025-10-28.

Conditions:
Hereditary cancer-predisposing syndrome. Also called: Tumor predisposition; Hereditary Cancer Syndrome; Neoplastic Syndromes, Hereditary; Hereditary neoplastic syndrome. Identifiers: Orphanet 140162, MedGen C0027672, MeSH D009386, MONDO:0015356.
Hereditary breast ovarian cancer syndrome. Also called: Hereditary breast and ovarian cancer; Hereditary breast and/or ovarian cancer syndrome; BRCA1- and BRCA2-Associated Hereditary Breast and Ovarian Cancer; Hereditary breast and ovarian cancer syndrome; Hereditary breast and ovarian cancer syndrome (HBOC); Breast and ovarian cancer. Identifiers: Orphanet 145, MedGen C0677776, MeSH D061325, MONDO:0003582. Disease mechanism: loss of function.
Breast-ovarian cancer, familial, susceptibility to, 2 (BROVCA2). Also called: BRCA2 Hereditary Breast and Ovarian Cancer. Identifiers: Orphanet 145, MedGen C2675520, MONDO:0012933, OMIM 612555. Disease mechanism: loss of function.

gnomAD v4.1: 1 of 1,612,350 alleles (0.000062%); highest among the groups gnomAD compares: East Asian, 0.0022%; no homozygotes.

Submissions (4):

Labcorp Genetics (formerly Invitae), Labcorp
Classification: Pathogenic for Hereditary breast ovarian cancer syndrome. Last evaluated: 2025-10-28. Review status: criteria provided, single submitter. Criteria: Invitae Variant Classification Sherloc (09022015). Collection method: clinical testing. Allele origin: germline.
Comment: This sequence change affects an acceptor splice site in intron 17 of the BRCA2 gene. RNA analysis indicates that disruption of this splice site induces altered splicing and may result in an absent or altered protein product. This variant is present in population databases (rs81002874, gnomAD 0.06%). Disruption of this splice site has been observed in individual(s) with breast and/or ovarian cancer (PMID: 28961279, 30702160). ClinVar contains an entry for this variant (Variation ID: 126163). Studies have shown that disruption of this splice site alters mRNA splicing and is expected to lead to the loss of protein expression (PMID: 16211554, 22006311, 28339459). For these reasons, this variant has been classified as Pathogenic.

Ambry Genetics
Classification: Likely pathogenic for Hereditary cancer-predisposing syndrome. Last evaluated: 2025-09-23. Review status: criteria provided, single submitter. Criteria: Ambry Variant Classification Scheme 2023. Collection method: clinical testing. Allele origin: germline.
Comment: The c.7977-1G>T intronic variant results from a G to T substitution one nucleotide upstream from coding exon 17 of the BRCA2 gene. This variant has been identified in cohorts of ethnic Chinese individuals with indications for genetic testing for hereditary breast and ovarian cancer (Bhaskaran SP et al. Int J Cancer, 2019 Aug;145:962-973; Gao X et al. Hum Mutat, 2020 Mar;41:696-708). This alteration was reported as deleterious in an assay of cell survival in murine embryonic stem cells (Mesman RLS et al. Genet Med, 2020 Aug;22:1355-1365). The results from two saturation genome editing-based studies, including a haploid cell-survival assay and a humanized mouse embryonic stem cell line assay of drug response and survival, are discordant for this nucleotide substitution (Huang H et al. Nature. 2025 Feb;638(8050):528-537; Sahu S et al. Nature. 2025 Feb;638(8050):538-545). This nucleotide position is highly conserved in available vertebrate species. In silico splice site analysis predicts that this alteration will weaken the native splice acceptor site. RNA studies have demonstrated that this alteration results in abnormal splicing in the set of samples tested (Fraile-Bethencourt E et al. PLoS Genet, 2017 Mar;13:e1006691; Mesman RLS et al. Genet Med, 2020 Aug;22:1355-1365; Ambry internal data). Alterations that disrupt the canonical splice site are expected to cause aberrant splicing, resulting in an abnormal protein or a transcript that is subject to nonsense-mediated mRNA decay. As such, this alteration is classified as likely pathogenic.

Color Diagnostics, LLC DBA Color Health
Classification: Likely pathogenic for Hereditary cancer-predisposing syndrome. Last evaluated: 2019-04-25. Review status: criteria provided, single submitter. Criteria: ACMG Guidelines, 2015. Collection method: clinical testing. Allele origin: germline.

Breast Cancer Information Core (BIC) (BRCA2)
Classification: Pathogenic for Breast-ovarian cancer, familial 2. Last evaluated: 1998-11-30. Review status: no assertion criteria provided. Collection method: clinical testing. Allele origin: germline. Affected: yes. Observed: 1 variant allele. Not counted in ClinVar's aggregate classification.

Literature cited by the submitters: PubMed 28961279 (cited by Labcorp Genetics (formerly Invitae), Labcorp); PubMed 30702160 (cited by Labcorp Genetics (formerly Invitae), Labcorp and Ambry Genetics); PubMed 16211554 (cited by Labcorp Genetics (formerly Invitae), Labcorp); PubMed 22006311 (cited by Labcorp Genetics (formerly Invitae), Labcorp); PubMed 28339459 (cited by Labcorp Genetics (formerly Invitae), Labcorp and Ambry Genetics); PubMed 31825140 (cited by Ambry Genetics); PubMed 32398771 (cited by Ambry Genetics); PubMed 39779848 (cited by Ambry Genetics); PubMed 39779857 (cited by Ambry Genetics).